The following is an entry in ClinVar:

NM_007186.6(CEP250):c.370A>T (p.Met124Leu)

Gene: CEP250 (centrosomal protein 250; plus strand). Cytogenetic location: 20q11.22.
Variant type: single nucleotide variant.
Coding change: c.370A>T on transcript NM_007186.6 (MANE Select); coding-DNA position 370, A replaced by T.
Protein change: p.Met124Leu; replaces methionine 124 with leucine.
Molecular consequence: missense variant. On other transcripts: 5 prime UTR variant (1).
Genome position (GRCh38, 1-based): chr20:35,466,082, A>T. VCF-style: chr20-35466082-A-T. GRCh37 (hg19) VCF-style: chr20-34053907-A-T.
Other names: c.-1530A>T (NM_001318219.1); short protein forms M124L.
Identifiers: ClinVar variation 1421430 (VCV001421430.3), dbSNP rs750893887, ClinGen allele CA408753188.
Genomic context (GRCh38, chr20:35,466,082, plus strand): 5'-ACCCCTCCCCAGTGCAGGTGTGAGAGTCTAGCAGAGGTGAACACCCAGCTTCGACTGCAC[A>T]TGGAAAAAGCTGACGTGGTGAATAAAGCCCTTAGGGAAGATGTGGAAAAACTGACAGTGG-3'
Protein context (NP_009117.2, residues 114-134): AEVNTQLRLH[Met124Leu]EKADVVNKAL

ClinVar aggregate classification (germline): Uncertain significance (1 of 4 stars; one submission).

Allele frequency attached by ClinVar (database versions not stated): gnomAD 0.00001; TOPMed 0.00001.

Submission:

Labcorp Genetics (formerly Invitae), Labcorp
Classification: Uncertain significance. Last evaluated: 2022-07-19. Review status: criteria provided, single submitter. Criteria: Invitae Variant Classification Sherloc (09022015). Collection method: clinical testing. Allele origin: germline.
Comment: This sequence change replaces methionine with leucine at codon 124 of the CEP250 protein (p.Met124Leu). The methionine residue is moderately conserved and there is a small physicochemical difference between methionine and leucine. This variant is not present in population databases (gnomAD no frequency). This variant has not been reported in the literature in individuals affected with CEP250-related conditions. ClinVar contains an entry for this variant (Variation ID: 1421430). Algorithms developed to predict the effect of missense changes on protein structure and function output the following: SIFT: "Not Available"; PolyPhen-2: "Benign"; Align-GVGD: "Not Available". The leucine amino acid residue is found in multiple mammalian species, which suggests that this missense change does not adversely affect protein function. In summary, the available evidence is currently insufficient to determine the role of this variant in disease. Therefore, it has been classified as a Variant of Uncertain Significance.